The following is an entry in ClinVar:

ClinVar aggregate classification (germline): Likely pathogenic. Review status: criteria provided, multiple submitters, no conflicts (2 of 4 stars). 3 submissions from 3 submitters: Likely pathogenic (3). Last evaluated 2025-05-14.

Conditions:
Generalized choriocapillaris dystrophy.
ABCA4-related disorder. Also called: ABCA4-related condition; ABCA4-related disorders. Identifiers: MedGen CN239167.

Allele frequency attached by ClinVar (database versions not stated): gnomAD exomes below 0.00001.
gnomAD v4.1: 1 of 1,614,006 alleles (0.000062%); highest among the groups gnomAD compares: Non-Finnish European, 0.000085%; no homozygotes.

Submissions (3):

Labcorp Genetics (formerly Invitae), Labcorp
Classification: Likely pathogenic. Last evaluated: 2025-05-14. Review status: criteria provided, single submitter. Criteria: Invitae Variant Classification Sherloc (09022015). Collection method: clinical testing. Allele origin: germline.
Comment: This sequence change replaces serine, which is neutral and polar, with arginine, which is basic and polar, at codon 795 of the ABCA4 protein (p.Ser795Arg). This variant is not present in population databases (gnomAD no frequency). This missense change has been observed in individuals with cone-rod dystrophy and/or Stargardt disease (PMID: 25082885, 30834176; internal data). ClinVar contains an entry for this variant (Variation ID: 973687). An algorithm developed to predict the effect of missense changes on protein structure and function (PolyPhen-2) suggests that this variant is likely to be disruptive. This variant disrupts the p.Ser795 amino acid residue in ABCA4. Other variant(s) that disrupt this residue have been determined to be pathogenic (PMID: 29975949; internal data). This suggests that this residue is clinically significant, and that variants that disrupt this residue are likely to be disease-causing. In summary, the currently available evidence indicates that the variant is pathogenic, but additional data are needed to prove that conclusively. Therefore, this variant has been classified as Likely Pathogenic.

Blueprint Genetics
Classification: Likely pathogenic for ABCA4-related disorders. Last evaluated: 2022-05-04. Review status: criteria provided, single submitter. Criteria: ACMG Guidelines, 2015. Collection method: clinical testing. Allele origin: germline. Affected: yes. Observed: 2 variant alleles.

Department of Ophthalmology, California Pacific Medical Center
Classification: Likely pathogenic for Generalized choriocapillaris dystrophy. Last evaluated: 2020-07-05. Review status: criteria provided, single submitter. Criteria: ACMG Guidelines, 2015. Collection method: clinical testing. Allele origin: germline. Inheritance: Autosomal recessive inheritance. Affected: yes. Observed: 1 compound heterozygote.

Literature cited by the submitters: PubMed 25082885 (cited by Labcorp Genetics (formerly Invitae), Labcorp); PubMed 30834176 (cited by Labcorp Genetics (formerly Invitae), Labcorp); PubMed 29975949 (cited by Labcorp Genetics (formerly Invitae), Labcorp).

NM_000350.3(ABCA4):c.2385C>G (p.Ser795Arg)

Gene: ABCA4 (ATP binding cassette subfamily A member 4; minus strand). Cytogenetic location: 1p22.1.
Variant type: single nucleotide variant.
Coding change: c.2385C>G on transcript NM_000350.3 (MANE Select); coding-DNA position 2385, C replaced by G.
Protein change: p.Ser795Arg; replaces serine 795 with arginine.
Molecular consequence: missense variant.
Genome position (GRCh38, 1-based): chr1:94,055,313, G>C on the plus strand (C>G on the coding strand, the complement: ABCA4 is on the minus strand). VCF-style: chr1-94055313-G-C. GRCh37 (hg19) VCF-style: chr1-94520869-G-C.
Other names: c.2163C>G, p.Ser721Arg (NM_001425324.1); short protein forms S795R, S721R.
Identifiers: ClinVar variation 973687 (VCV000973687.13), dbSNP rs1660946056, ClinGen allele CA341277198.